The following is an entry in ClinVar:

NM_004336.5(BUB1):c.2575C>A (p.Gln859Lys)

Gene: BUB1 (BUB1 mitotic checkpoint serine/threonine kinase; minus strand). Cytogenetic location: 2q13.
Variant type: single nucleotide variant.
Coding change: c.2575C>A on transcript NM_004336.5 (MANE Select); coding-DNA position 2575, C replaced by A.
Protein change: p.Gln859Lys; replaces glutamine 859 with lysine.
Molecular consequence: missense variant.
Genome position (GRCh38, 1-based): chr2:110,641,692, G>T on the plus strand (C>A on the coding strand, the complement: BUB1 is on the minus strand). VCF-style: chr2-110641692-G-T. GRCh37 (hg19) VCF-style: chr2-111399269-G-T.
Other names: c.2515C>A, p.Gln839Lys (NM_001278616.2); c.2575C>A, p.Gln859Lys (NM_001278617.2); short protein forms Q839K, Q859K.
Identifiers: ClinVar variation 3224055 (VCV003224055.1), dbSNP rs770194928, ClinGen allele CA1827754.
Genomic context (GRCh38, chr2:110,641,692, plus strand): 5'-GAATACTTACTAATAATGTTCCATAGCTGTAGAGCTCTCCTACTAATACACTGCCATTCT[G>T]GAATAAGTGGGCAGAATAGAACTTCATAAACATGTGCTGCATAGATGGCTTTAGTCTTTC-3'
Protein context (NP_004327.1, residues 849-869): FMKFYSAHLF[Gln859Lys]NGSVLVGELY

ClinVar aggregate classification (germline): Uncertain significance (1 of 4 stars; one submission).

Allele frequency attached by ClinVar (database versions not stated): gnomAD exomes below 0.00001; ExAC 0.00002.
gnomAD v4.1: 5 of 1,613,298 alleles (0.00031%); highest among the groups gnomAD compares: South Asian, 0.0055%; no homozygotes.

Submission:

Ambry Genetics
Classification: Uncertain significance. Last evaluated: 2023-10-08. Review status: criteria provided, single submitter. Criteria: Ambry Variant Classification Scheme 2023. Collection method: clinical testing. Allele origin: germline.
Comment: The p.Q859K variant (also known as c.2575C>A), located in coding exon 21 of the BUB1 gene, results from a C to A substitution at nucleotide position 2575. The glutamine at codon 859 is replaced by lysine, an amino acid with similar properties. This amino acid position is conserved. In addition, this alteration is predicted to be tolerated by in silico analysis. Since supporting evidence is limited at this time, the clinical significance of this alteration remains unclear.